The following is an entry in ClinVar:

ClinVar aggregate classification (germline): Uncertain significance. Review status: criteria provided, multiple submitters, no conflicts (2 of 4 stars). 2 submissions from 2 submitters: Uncertain significance (2). Last evaluated 2024-12-17.

Submissions (2):

GeneDx
Classification: Uncertain significance. Last evaluated: 2024-12-17. Review status: criteria provided, single submitter. Criteria: GeneDx Variant Classification Process June 2021. Collection method: clinical testing. Allele origin: germline. Affected: yes.
Comment: Not observed at significant frequency in large population cohorts (gnomAD); In silico analysis indicates that this missense variant does not alter protein structure/function; Has not been previously published as pathogenic or benign to our knowledge

Labcorp Genetics (formerly Invitae), Labcorp
Classification: Uncertain significance. Last evaluated: 2023-12-10. Review status: criteria provided, single submitter. Criteria: Invitae Variant Classification Sherloc (09022015). Collection method: clinical testing. Allele origin: germline.
Comment: This sequence change replaces histidine, which is basic and polar, with glutamine, which is neutral and polar, at codon 182 of the FZD4 protein (p.His182Gln). This variant is not present in population databases (gnomAD no frequency). This variant has not been reported in the literature in individuals affected with FZD4-related conditions. Advanced modeling of protein sequence and biophysical properties (such as structural, functional, and spatial information, amino acid conservation, physicochemical variation, residue mobility, and thermodynamic stability) performed at Invitae indicates that this missense variant is not expected to disrupt FZD4 protein function with a negative predictive value of 80%. In summary, the available evidence is currently insufficient to determine the role of this variant in disease. Therefore, it has been classified as a Variant of Uncertain Significance.

NM_012193.4(FZD4):c.546C>A (p.His182Gln)

Genes: FZD4 (frizzled class receptor 4; minus strand), PRSS23 (serine protease 23; plus strand). Cytogenetic location: 11q14.2.
Variant type: single nucleotide variant.
Coding change: c.546C>A on transcript NM_012193.4 (MANE Select); coding-DNA position 546, C replaced by A.
Protein change: p.His182Gln; replaces histidine 182 with glutamine.
Molecular consequence: missense variant. On other transcripts: non-coding transcript variant (2).
Genome position (GRCh38, 1-based): chr11:86,952,210, G>T on the plus strand (C>A on the coding strand, the complement: FZD4 is on the minus strand). VCF-style: chr11-86952210-G-T. GRCh37 (hg19) VCF-style: chr11-86663252-G-T.
Other names: c.546C>A (NM_012193.3); short protein forms H182Q.
Identifiers: ClinVar variation 2701989 (VCV002701989.4), dbSNP rs756589557, ClinGen allele CA382015668.